The following is an entry in ClinVar:

NM_058216.3(RAD51C):c.146-8A>G

Gene: RAD51C (RAD51 paralog C; plus strand). Cytogenetic location: 17q22.
Variant type: single nucleotide variant.
Coding change: c.146-8A>G on transcript NM_058216.3 (MANE Select); 8 bases into the intron before coding-DNA position 146, A replaced by G.
Molecular consequence: intron variant.
Genome position (GRCh38, 1-based): chr17:58,694,923, A>G. VCF-style: chr17-58694923-A-G. GRCh37 (hg19) VCF-style: chr17-56772284-A-G.
Other names: c.146-8A>G (NM_002876.4).
Identifiers: ClinVar variation 136156 (VCV000136156.70), dbSNP rs201079501, ClinGen allele CA293025.

ClinVar aggregate classification (germline): Benign/Likely benign. Review status: criteria provided, multiple submitters, no conflicts (2 of 4 stars). 21 submissions from 18 submitters: Benign (11); Likely benign (5). 5 of the submissions do not count toward it. Last evaluated 2026-07-01.

Conditions:
Hereditary cancer-predisposing syndrome. Also called: Neoplastic Syndromes, Hereditary; Tumor predisposition; Hereditary neoplastic syndrome; Hereditary Cancer Syndrome. Identifiers: Orphanet 140162, MedGen C0027672, MeSH D009386, MONDO:0015356.
Fanconi anemia complementation group O. Also called: RAD51C-Related Fanconi Anemia. Identifiers: Orphanet 84, MedGen C3150653, MONDO:0013248, OMIM 613390.
Breast-ovarian cancer, familial, susceptibility to, 3. Also called: RAD51C-Related Breast/Ovarian Cancer. Identifiers: Orphanet 145, MedGen C3150659, MONDO:0013253, OMIM 613399.
Breast and/or ovarian cancer. Identifiers: MedGen CN221562.
Hereditary breast ovarian cancer syndrome. Also called: Breast and ovarian cancer; BRCA1- and BRCA2-Associated Hereditary Breast and Ovarian Cancer; Hereditary breast and/or ovarian cancer syndrome; Hereditary breast and ovarian cancer syndrome; Hereditary breast and ovarian cancer; Hereditary breast and ovarian cancer syndrome (HBOC). Identifiers: Orphanet 145, MedGen C0677776, MeSH D061325, MONDO:0003582. Disease mechanism: loss of function.

Allele frequency attached by ClinVar (database versions not stated): gnomAD exomes 0.00067 and 0.00128; gnomAD 0.00071 and 0.00074; TOPMed 0.00077; ExAC 0.00103; ESP Exome Variant Server 0.00146.
gnomAD v4.1: 1,168 of 1,606,366 alleles (0.073%); highest among the groups gnomAD compares: Middle Eastern, 0.017%; 14 homozygotes.

Submissions (23):

CeGaT Center for Human Genetics Tuebingen
Classification: Likely benign. Last evaluated: 2026-07-01. Review status: criteria provided, single submitter. Criteria: CeGaT Center For Human Genetics Tuebingen Variant Classification Criteria Version 2. Collection method: clinical testing. Allele origin: germline. Affected: yes. Observed: 3 variant alleles.
Comment: RAD51C: BP4, BS1

Labcorp Genetics (formerly Invitae), Labcorp
Classification: Benign for Fanconi anemia complementation group O. Last evaluated: 2026-02-03. Review status: criteria provided, single submitter. Criteria: Invitae Variant Classification Sherloc (09022015). Collection method: clinical testing. Allele origin: germline.

Quest Diagnostics Nichols Institute San Juan Capistrano
Classification: Benign. Last evaluated: 2025-08-29. Review status: criteria provided, single submitter. Criteria: Quest Diagnostics criteria. Collection method: clinical testing. Allele origin: unknown.

Center for Genomic Medicine, Rigshospitalet, Copenhagen University Hospital
Classification: Likely benign. Last evaluated: 2025-03-04. Review status: criteria provided, single submitter. Criteria: ACMG Guidelines, 2015. Collection method: clinical testing. Allele origin: germline.

Blueprint Genetics
Classification: Likely benign. Last evaluated: 2024-11-20. Review status: criteria provided, single submitter. Criteria: ACMG Guidelines, 2015. Collection method: clinical testing. Allele origin: germline.

ARUP Laboratories, Molecular Genetics and Genomics, ARUP Laboratories
Classification: Benign. Last evaluated: 2023-08-14. Review status: criteria provided, single submitter. Criteria: ARUP Molecular Germline Variant Investigation Process 2024. Collection method: clinical testing. Allele origin: germline.

Myriad Genetics, Inc.
Classification: Benign for Breast-ovarian cancer, familial, susceptibility to, 3. Last evaluated: 2023-04-05. Review status: criteria provided, single submitter. Criteria: Myriad Autosomal Dominant, Autosomal Recessive and X-Linked Classification Criteria (2023). Collection method: clinical testing. Allele origin: unknown.
Comment: This variant is considered benign. This variant is intronic and is not expected to impact mRNA splicing. This variant has been observed at a population frequency that is significantly greater than expected given the associated disease prevalence and penetrance.

Institute for Biomarker Research, Medical Diagnostic Laboratories, L.L.C.
Classification: Benign for Hereditary breast ovarian cancer syndrome. Last evaluated: 2022-08-18. Review status: criteria provided, single submitter. Criteria: ACMG Guidelines, 2015. Collection method: clinical testing. Allele origin: germline.

Genetic Services Laboratory, University of Chicago
Classification: Benign. Last evaluated: 2021-11-04. Review status: criteria provided, single submitter. Criteria: ACMG Guidelines, 2015. Collection method: clinical testing. Allele origin: germline. Affected: no.

CHEO Genetics Diagnostic Laboratory, Children's Hospital of Eastern Ontario
Classification: Benign for Breast and/or ovarian cancer. Last evaluated: 2021-06-04. Review status: criteria provided, single submitter. Criteria: ACMG Guidelines, 2015. Collection method: clinical testing. Allele origin: germline.

Department of Pathology and Laboratory Medicine, Sinai Health System
Classification: Benign for Breast-ovarian cancer, familial, susceptibility to, 3. Last evaluated: 2020-01-07. Review status: criteria provided, single submitter. Criteria: ACMG Guidelines, 2015. Collection method: clinical testing. Allele origin: germline. Affected: yes.

Mendelics
Classification: Likely benign for Fanconi anemia complementation group O. Last evaluated: 2019-05-28. Review status: criteria provided, single submitter. Criteria: Mendelics Assertion Criteria 2017. Collection method: clinical testing. Allele origin: unknown.

Illumina Laboratory Services, Illumina
Classification: Likely benign for Breast-ovarian cancer, familial, susceptibility to, 3. Last evaluated: 2017-04-27. Review status: criteria provided, single submitter. Criteria: ICSL Variant Classification Criteria 13 December 2019. Collection method: clinical testing. Allele origin: germline.
Comment: This variant was observed as part of a predisposition screen in an ostensibly healthy population. A literature search was performed for the gene, cDNA change, and amino acid change (where applicable). No publications were found based on this search. Allele frequency data from public databases allowed determination this variant is unlikely to cause disease. Therefore, this variant is classified as likely benign.

Illumina Laboratory Services, Illumina
Classification: Benign for Fanconi anemia complementation group O. Last evaluated: 2017-04-27. Review status: criteria provided, single submitter. Criteria: ICSL Variant Classification Criteria 13 December 2019. Collection method: clinical testing. Allele origin: germline.
Comment: This variant was observed as part of a predisposition screen in an ostensibly healthy population. A literature search was performed for the gene, cDNA change, and amino acid change (where applicable). No publications were found based on this search. Allele frequency data from public databases was too high to be consistent with this variant causing disease. Therefore, this variant is classified as benign.

Color Diagnostics, LLC DBA Color Health
Classification: Benign for Hereditary cancer-predisposing syndrome. Last evaluated: 2015-01-15. Review status: criteria provided, single submitter. Criteria: ACMG Guidelines, 2015. Collection method: clinical testing. Allele origin: germline.

GeneDx
Classification: Benign. Last evaluated: 2013-11-01. Review status: criteria provided, single submitter. Criteria: GeneDx Variant Classification (06012015). Collection method: clinical testing. Allele origin: germline. Affected: yes.
Comment: This variant is considered likely benign or benign based on one or more of the following criteria: it is a conservative change, it occurs at a poorly conserved position in the protein, it is predicted to be benign by multiple in silico algorithms, and/or has population frequency not consistent with disease.

True Health Diagnostics
Classification: Likely benign for Hereditary cancer-predisposing syndrome. Last evaluated: 2017-09-29. Review status: no assertion criteria provided. Collection method: clinical testing. Allele origin: germline. Not counted in ClinVar's aggregate classification.

Counsyl
Classification: Benign for Fanconi anemia complementation group O; Breast-ovarian cancer, familial, susceptibility to, 3. Last evaluated: 2017-01-05. Review status: no assertion criteria provided. Collection method: clinical testing. Allele origin: unknown. Not counted in ClinVar's aggregate classification.

Counsyl
Classification: Uncertain significance for Fanconi anemia complementation group O. Last evaluated: 2016-06-09. Review status: no assertion criteria provided. Collection method: clinical testing. Allele origin: unknown. Not counted in ClinVar's aggregate classification.

Counsyl
Classification: Uncertain significance for Breast-ovarian cancer, familial, susceptibility to, 3. Last evaluated: 2016-06-09. Review status: no assertion criteria provided. Collection method: clinical testing. Allele origin: unknown. Not counted in ClinVar's aggregate classification.

Leiden Open Variation Database
Classification: Likely benign. Last evaluated: 2014-11-02. Review status: no assertion criteria provided. Collection method: curation. Allele origin: germline. Affected: yes. Not counted in ClinVar's aggregate classification.
Comment: Curator: Arleen D. Auerbach. Submitter to LOVD: Christine Rappaport.

Dr. Peter K. Rogan Lab, Western University
No classification provided (evidence only). Condition: Sarcoma. Review status: no classification provided. Collection method: in vitro. Allele origin: not applicable. Functional consequence: retained intron. Not counted in ClinVar's aggregate classification.

Dr. Peter K. Rogan Lab, Western University
No classification provided (evidence only). Condition: Sarcoma. Review status: no classification provided. Collection method: in vitro. Allele origin: not applicable. Functional consequence: retained intron. Not counted in ClinVar's aggregate classification.

Literature cited by the submitters: PubMed 20723205 (cited by 3 submitters); PubMed 26740214 (cited by 3 submitters); PubMed 25980754 (cited by 3 submitters); PubMed 25318351 (cited by Quest Diagnostics Nichols Institute San Juan Capistrano and Counsyl); PubMed 23117857 (cited by Quest Diagnostics Nichols Institute San Juan Capistrano); PubMed 21537932 (cited by Quest Diagnostics Nichols Institute San Juan Capistrano); PubMed 25186627 (cited by Counsyl).